The following is an entry in ClinVar:

NM_001830.4(CLCN4):c.812C>T (p.Pro271Leu)

Gene: CLCN4 (chloride voltage-gated channel 4; plus strand). Cytogenetic location: Xp22.2.
Variant type: single nucleotide variant.
Coding change: c.812C>T on transcript NM_001830.4 (MANE Select); coding-DNA position 812, C replaced by T.
Protein change: p.Pro271Leu; replaces proline 271 with leucine.
Molecular consequence: missense variant.
Genome position (GRCh38, 1-based): chrX:10,206,745, C>T. VCF-style: chrX-10206745-C-T. GRCh37 (hg19) VCF-style: chrX-10174785-C-T.
Other names: c.530C>T, p.Pro177Leu (NM_001256944.2); short protein forms P177L, P271L.
Identifiers: ClinVar variation 3659238 (VCV003659238.2).

ClinVar aggregate classification (germline): Uncertain significance (1 of 4 stars; one submission).

Submission:

Labcorp Genetics (formerly Invitae), Labcorp
Classification: Uncertain significance. Last evaluated: 2024-07-11. Review status: criteria provided, single submitter. Criteria: Invitae Variant Classification Sherloc (09022015). Collection method: clinical testing. Allele origin: germline.
Comment: This sequence change replaces proline, which is neutral and non-polar, with leucine, which is neutral and non-polar, at codon 271 of the CLCN4 protein (p.Pro271Leu). This variant is not present in population databases (gnomAD no frequency). This variant has not been reported in the literature in individuals affected with CLCN4-related conditions. Advanced modeling of protein sequence and biophysical properties (such as structural, functional, and spatial information, amino acid conservation, physicochemical variation, residue mobility, and thermodynamic stability) performed at Invitae indicates that this missense variant is expected to disrupt CLCN4 protein function with a positive predictive value of 95%. In summary, the available evidence is currently insufficient to determine the role of this variant in disease. Therefore, it has been classified as a Variant of Uncertain Significance.